The following is an entry in ClinVar:

ClinVar aggregate classification (germline): Likely benign. Review status: criteria provided, multiple submitters, no conflicts (2 of 4 stars). 2 submissions from 2 submitters: Likely benign (2). Last evaluated 2025-01-07.

Conditions:
Hereditary nonpolyposis colorectal neoplasms. Identifiers: MedGen C0009405, MeSH D003123.
Lynch syndrome 5 (LYNCH5). Also called: Colorectal cancer, hereditary nonpolyposis, type 5; Hereditary non-polyposis colorectal cancer, type 5. Identifiers: Orphanet 144, MedGen C1833477, MONDO:0013710, OMIM 614350. Disease mechanism: loss of function.

Submissions (2):

Myriad Genetics, Inc.
Classification: Likely benign for Lynch syndrome 5. Last evaluated: 2025-01-07. Review status: criteria provided, single submitter. Criteria: Myriad Autosomal Dominant, Autosomal Recessive and X-Linked Classification Criteria (2023). Collection method: clinical testing. Allele origin: unknown.
Comment: This variant is considered likely benign. This variant is intronic and is not expected to impact mRNA splicing.

Labcorp Genetics (formerly Invitae), Labcorp
Classification: Likely benign for Hereditary nonpolyposis colorectal neoplasms. Last evaluated: 2024-04-03. Review status: criteria provided, single submitter. Criteria: Invitae Variant Classification Sherloc (09022015). Collection method: clinical testing. Allele origin: germline.

NM_000179.3(MSH6):c.3556+9_3556+11del

Gene: MSH6 (mutS homolog 6; plus strand). Cytogenetic location: 2p16.3.
Variant type: Deletion.
Coding change: c.3556+9_3556+11del on transcript NM_000179.3 (MANE Select); bases 9 to 11 of the intron after coding-DNA position 3556, 3 bases deleted (TTT; older notation c.3556+9_3556+11delTTT).
Molecular consequence: intron variant.
Genome position (GRCh38, 1-based): chr2:47,805,036-47,805,038, TTT deleted; deleting any 3 consecutive bases within chr2:47,805,033-47,805,038 gives the same sequence; the c. name uses the placement nearest the transcript's 3' end. VCF-style (leftmost placement, unchanged base first): chr2-47805032-GTTT-G. GRCh37 (hg19) VCF-style: chr2-48032171-GTTT-G.
Other names: c.3556+9_3556+11del (NM_001406809.1, NM_001406796.1, NM_001406808.1 and 1 more transcripts); c.2650+9_2650+11del (NM_001406811.1, NM_001406814.1, NM_001281493.2 and 6 more transcripts); c.3259+9_3259+11del (NM_001406805.1, NM_001406797.1, NM_001406801.1 and 10 more transcripts); c.3652+9_3652+11del (NM_001406795.1, NM_001406802.1); c.3562+9_3562+11del (NM_001406813.1); c.3031+9_3031+11del (NM_001406807.1, NM_001406799.1, NM_001406806.1); c.3382+9_3382+11del (NM_001406798.1); c.2692+9_2692+11del (NM_001406803.1); and 7 more.
Identifiers: ClinVar variation 3648630 (VCV003648630.3).
Genomic context (GRCh38, chr2:47,805,032, plus strand): 5'-CACACCAATTGATAGAGTGTTTACTAGACTTGGTGCCTCAGACAGAATAATGTCAGGTGA[GTTT>G]TTTGTTTCCCACTTAAGTTCTCATTCAGTCATTTAGATGTGATAAAAGATATTTGCTTCT-3'